The following is an entry in ClinVar:

ClinVar aggregate classification (germline): Uncertain significance. Review status: criteria provided, multiple submitters, no conflicts (2 of 4 stars). 2 submissions from 2 submitters: Uncertain significance (2). Last evaluated 2025-10-09.

Conditions:
OTOA-related disorder. Also called: OTOA-related condition.

Submissions (2):

PreventionGenetics, part of Exact Sciences
Classification: Uncertain significance for OTOA-related condition. Last evaluated: 2025-10-09. Review status: criteria provided, single submitter. Criteria: ACMG Guidelines, 2015. Collection method: clinical testing. Allele origin: germline.
Comment: The OTOA c.605G>A variant is predicted to result in the amino acid substitution p.Arg202Gln. This variant was reported in compound heterozygous state together with second OTOA variant in an individual with hearing loss (Rosina et al. 2022. PubMed ID: 35886058). This variant is reported in 0.013% of alleles in individuals of South Asian descent in gnomAD. At this time, the clinical significance of this variant is uncertain due to the absence of conclusive functional and genetic evidence.

GeneDx
Classification: Uncertain significance. Last evaluated: 2024-05-06. Review status: criteria provided, single submitter. Criteria: GeneDx Variant Classification Process June 2021. Collection method: clinical testing. Allele origin: germline. Affected: yes.
Comment: Identified with an OTOA variant on the opposite allele (in trans) in a patient with sensorineural hearing loss in published literature (PMID: 35886058); In silico analysis indicates that this missense variant does not alter protein structure/function; This variant is associated with the following publications: (PMID: 35886058)

NM_144672.4(OTOA):c.605G>A (p.Arg202Gln)

Gene: OTOA (otoancorin). Cytogenetic location: 16p12.2.
Variant type: single nucleotide variant.
Coding change: c.605G>A on transcript NM_144672.4 (MANE Select); coding-DNA position 605, G replaced by A.
Protein change: p.Arg202Gln; replaces arginine 202 with glutamine.
Molecular consequence: missense variant.
Genome position (GRCh38, 1-based): chr16:21,687,618, G>A. VCF-style: chr16-21687618-G-A. GRCh37 (hg19) VCF-style: chr16-21698939-G-A.
Other names: c.368G>A, p.Arg123Gln (NM_001161683.2); short protein forms R123Q, R202Q.
Identifiers: ClinVar variation 3375738 (VCV003375738.2).
Genomic context (GRCh38, chr16:21,687,618, plus strand): 5'-AGGTGCTGAGGGGGTCCTCAGGGAGCTTTCTCCAGCCAGACATCACAGAGCGGCTCCCTC[G>A]GGACCTGCGCGAGGATGCCTTTAAGAACCTGTGAGTGGTTCCTCCGAACTTTTTTTTTTT-3'
Protein context (NP_653273.3, residues 192-212): LQPDITERLP[Arg202Gln]DLREDAFKNL